The following is an entry in ClinVar:

ClinVar aggregate classification (germline): Uncertain significance (1 of 4 stars; one submission).

Submission:

GeneDx
Classification: Uncertain significance. Last evaluated: 2024-08-21. Review status: criteria provided, single submitter. Criteria: GeneDx Variant Classification Process June 2021. Collection method: clinical testing. Allele origin: germline. Affected: yes.
Comment: Not observed at significant frequency in large population cohorts (gnomAD); In silico analysis supports that this missense variant has a deleterious effect on protein structure/function; Has not been previously published as pathogenic or benign to our knowledge

NM_003587.5(DHX16):c.1550T>A (p.Val517Glu)

Gene: DHX16 (DEAH-box helicase 16; minus strand). Cytogenetic location: 6p21.33.
Variant type: single nucleotide variant.
Coding change: c.1550T>A on transcript NM_003587.5 (MANE Select); coding-DNA position 1550, T replaced by A.
Protein change: p.Val517Glu; replaces valine 517 with glutamic acid.
Molecular consequence: missense variant.
Genome position (GRCh38, 1-based): chr6:30,660,237, A>T on the plus strand (T>A on the coding strand, the complement: DHX16 is on the minus strand). VCF-style: chr6-30660237-A-T. GRCh37 (hg19) VCF-style: chr6-30628014-A-T.
Other names: c.1370T>A, p.Val457Glu (NM_001164239.2); c.107T>A, p.Val36Glu (NM_001363515.2); short protein forms V36E, V457E, V517E.
Identifiers: ClinVar variation 3766165 (VCV003766165.1).
Genomic context (GRCh38, chr6:30,660,237, plus strand): 5'-TTGATCAATCCAAAGAGAATGTCTGTGTGTAGGGTCCTTTCGTGTGCCTCATCCACCATC[A>T]CCACGCTGGGGAGGGAATAGGAGAGCAATGAGGGAAGAGCGCTAGGCAATGCAGTATCAG-3'
Protein context (NP_003578.2, residues 507-527): SEPDLASYSV[Val517Glu]MVDEAHERTL